The following is an entry in ClinVar:

ClinVar aggregate classification (germline): Likely benign (1 of 4 stars; one submission).

gnomAD v4.1: 2 of 398,448 alleles (0.0005%); highest among the groups gnomAD compares: East Asian, 0.0036%; no homozygotes.

Submission:

CeGaT Center for Human Genetics Tuebingen
Classification: Likely benign. Last evaluated: 2025-07-01. Review status: criteria provided, single submitter. Criteria: CeGaT Center For Human Genetics Tuebingen Variant Classification Criteria Version 2. Collection method: clinical testing. Allele origin: germline. Affected: yes. Observed: 1 variant allele.
Comment: CIC: BP4, BP7

NM_001386298.1(CIC):c.537G>A (p.Pro179=)

Gene: CIC (capicua transcriptional repressor; plus strand). Cytogenetic location: 19q13.2.
Variant type: single nucleotide variant.
Coding change: c.537G>A on transcript NM_001386298.1 (MANE Select); coding-DNA position 537, G replaced by A.
Protein change: p.Pro179=; no amino-acid change (proline 179 retained).
Molecular consequence: synonymous variant.
Genome position (GRCh38, 1-based): chr19:42,272,320, G>A. VCF-style: chr19-42272320-G-A. GRCh37 (hg19) VCF-style: chr19-42776472-G-A.
Other names: c.537G>A, p.Pro179= (NM_001304815.2, NM_001379480.1, NM_001379482.1 and 6 more transcripts).
Identifiers: ClinVar variation 4084633 (VCV004084633.8).